The following is an entry in ClinVar:

NM_001034853.2(RPGR):c.2330_2331del (p.Lys777fs)

Gene: RPGR (retinitis pigmentosa GTPase regulator; minus strand). Cytogenetic location: Xp11.4.
Variant type: Deletion.
Coding change: c.2330_2331del on transcript NM_001034853.2 (MANE Select); coding-DNA positions 2330 to 2331, 2 bases deleted (AG; older notation c.2330_2331delAG).
Protein change: p.Lys777fs; shifts the reading frame from lysine 777.
Molecular consequence: frameshift variant. On other transcripts: intron variant (8).
Genome position (GRCh38, 1-based): chrX:38,286,668-38,286,669, CT deleted on the plus strand (AG on the coding strand, the reverse complement: RPGR is on the minus strand). VCF-style (leftmost placement, unchanged base first): chrX-38286667-CCT-C. GRCh37 (hg19) VCF-style: chrX-38145920-CCT-C.
Other names: NM_001034853.2:c.2330_2331del; c.1569+4290_1569+4291del (NM_001367249.1, NM_001367250.1); c.1902+425_1902+426del (NM_001367245.1); c.1386+4290_1386+4291del (NM_001367251.1); c.1719+425_1719+426del (NM_001367246.1); c.1572+4290_1572+4291del (NM_001367247.1); c.1905+425_1905+426del (NM_000328.3); c.1602+4290_1602+4291del (NM_001367248.1); short protein forms K777fs.
Identifiers: ClinVar variation 4082180 (VCV004082180.1).

ClinVar aggregate classification (germline): Pathogenic (3 of 4 stars; one submission).

Conditions:
RPGR-related retinopathy. Also called: RPGR retinopathy. Identifiers: MedGen CN305589, MONDO:0100437.

Submission:

ClinGen X-linked Inherited Retinal Disease Variant Curation Expert Panel, ClinGen
Classification: Pathogenic for RPGR-related retinopathy. Last evaluated: 2025-09-05. Review status: reviewed by expert panel. Criteria: ClinGen X LinkedIRD ACMG Specifications RPGR V1.0.0. Collection method: curation. Allele origin: germline. Inheritance: X-linked inheritance.
Comment: NM_001034853.2(RPGR):c.2330_2331del (p.Lys777ArgfsTer?) is a frameshift variant due to deletion of 2 nucleotides that introduces a premature stop codon within exon 15 of 15 that is predicted to disrupt a critical C-terminal region required for proper glutamylation of RPGR (PVS1, PMID: 36445968). This variant is absent from gnomAD v4.1.0 (PM2_Supporting). At least one proband harboring this variant exhibits a phenotype including myopia (0.5 pts), first/second-decade onset of disease (1 pt), family inheritance consistent with X-linked inheritance (2 pts), and night blindness (0.5 pts), which together are specific for RPGR-related retinopathy (4 points, PMID: 20806050, PP4). The variant has been reported to segregate with retinal dystrophy through at least 3 affected meioses from 1 family (PP1_Moderate; PMID: 20806050). In summary, this variant is classified as pathogenic for RPGR-related retinopathy based on the ClinGen X-linked Inherited Retinal Disease Expert Panel Specifications to the ACMG/AMP Variant Interpretation Guidelines for RPGR Version 1.0.0; PVS1, PM2_Supporting, PP1_Moderate, and PP4.